The following is an entry in ClinVar:

ClinVar aggregate classification (germline): Uncertain significance. Review status: criteria provided, multiple submitters, no conflicts (2 of 4 stars). 2 submissions from 2 submitters: Uncertain significance (2). Last evaluated 2024-06-04.

Conditions:
Mucopolysaccharidosis, MPS-II (MPS2). Also called: Attenuated MPS (subtype; formerly known as mild MPS II); Severe MPS II; I2S deficiency; MPS 2; Mucopolysaccharidosis Type II; IDS deficiency. Identifiers: Orphanet 580, Orphanet 79388, MedGen C0026705, MONDO:0010674, OMIM 309900.
Inborn genetic diseases. Identifiers: MedGen C0950123, MeSH D030342.

Allele frequency attached by ClinVar (database versions not stated): TOPMed below 0.00001; gnomAD 0.00001.

Submissions (2):

Ambry Genetics
Classification: Uncertain significance for Inborn genetic diseases. Last evaluated: 2024-06-04. Review status: criteria provided, single submitter. Criteria: Ambry Variant Classification Scheme 2023. Collection method: clinical testing. Allele origin: germline.

Labcorp Genetics (formerly Invitae), Labcorp
Classification: Uncertain significance for Mucopolysaccharidosis, MPS-II. Last evaluated: 2022-07-19. Review status: criteria provided, single submitter. Criteria: Invitae Variant Classification Sherloc (09022015). Collection method: clinical testing. Allele origin: germline.
Comment: This variant is not present in population databases (gnomAD no frequency). This variant has not been reported in the literature in individuals affected with IDS-related conditions. This sequence change replaces threonine, which is neutral and polar, with serine, which is neutral and polar, at codon 118 of the IDS protein (p.Thr118Ser). ClinVar contains an entry for this variant (Variation ID: 1420774). Algorithms developed to predict the effect of missense changes on protein structure and function (SIFT, PolyPhen-2, Align-GVGD) all suggest that this variant is likely to be disruptive. In summary, the available evidence is currently insufficient to determine the role of this variant in disease. Therefore, it has been classified as a Variant of Uncertain Significance.

NM_000202.8(IDS):c.352A>T (p.Thr118Ser)

Gene: IDS (iduronate 2-sulfatase; minus strand). Cytogenetic location: Xq28.
Variant type: single nucleotide variant.
Coding change: c.352A>T on transcript NM_000202.8 (MANE Select); coding-DNA position 352, A replaced by T.
Protein change: p.Thr118Ser; replaces threonine 118 with serine.
Molecular consequence: missense variant. On other transcripts: non-coding transcript variant (1).
Genome position (GRCh38, 1-based): chrX:149,503,378, T>A on the plus strand (A>T on the coding strand, the complement: IDS is on the minus strand). VCF-style: chrX-149503378-T-A. GRCh37 (hg19) VCF-style: chrX-148584908-T-A.
Other names: c.352A>T (NM_000202.5); c.82A>T, p.Thr28Ser (NM_001166550.4); c.352A>T, p.Thr118Ser (NM_006123.5); short protein forms T28S, T118S.
Identifiers: ClinVar variation 1420774 (VCV001420774.10), dbSNP rs2089496220, ClinGen allele CA414526091.
Genomic context (GRCh38, chrX:149,503,378, plus strand): 5'-GAAAGACTTTTCCCACCGACATGGTCACATAGCCATTCTCCTTGAAGTACTGGGGGATGG[T>A]GGAGAAGTTTCCAGCGTGCACCCTCCAGTAGGAGTTGAAGTCGTACAGGCGGGTGGTGTC-3'
Protein context (NP_000193.1, residues 108-128): YWRVHAGNFS[Thr118Ser]IPQYFKENGY